The following is an entry in ClinVar:

NM_005557.4(KRT16):c.145G>A (p.Gly49Ser)

Gene: KRT16 (keratin 16; minus strand). Cytogenetic location: 17q21.2.
Variant type: single nucleotide variant.
Coding change: c.145G>A on transcript NM_005557.4 (MANE Select); coding-DNA position 145, G replaced by A.
Protein change: p.Gly49Ser; replaces glycine 49 with serine.
Molecular consequence: missense variant.
Genome position (GRCh38, 1-based): chr17:41,612,544, C>T on the plus strand (G>A on the coding strand, the complement: KRT16 is on the minus strand). VCF-style: chr17-41612544-C-T. GRCh37 (hg19) VCF-style: chr17-39768796-C-T.
Other names: short protein forms G49S.
Identifiers: ClinVar variation 3713313 (VCV003713313.2).
Genomic context (GRCh38, chr17:41,612,544, plus strand): 5'-CATAGCCGCCCCCCAGCCCGCAGGCTCCCCCAGAGGAGAAGCGAGAGGAGACAGACAGGC[C>T]GCCCCCGTAGGTGCTGGGGGCACGGCAGGACCCTCCGGCCAGGACGGAGGAGATGCGGCT-3'
Protein context (NP_005548.2, residues 39-59): SCRAPSTYGG[Gly49Ser]LSVSSRFSSG

ClinVar aggregate classification (germline): Uncertain significance (1 of 4 stars; one submission).

gnomAD v4.1: 38 of 1,594,772 alleles (0.0024%); highest among the groups gnomAD compares: Middle Eastern, 0.022%; no homozygotes.

Submission:

Labcorp Genetics (formerly Invitae), Labcorp
Classification: Uncertain significance. Last evaluated: 2025-01-19. Review status: criteria provided, single submitter. Criteria: Invitae Variant Classification Sherloc (09022015). Collection method: clinical testing. Allele origin: germline.
Comment: This sequence change replaces glycine, which is neutral and non-polar, with serine, which is neutral and polar, at codon 49 of the KRT16 protein (p.Gly49Ser). This variant is present in population databases (rs755038313, gnomAD 0.01%). This variant has not been reported in the literature in individuals affected with KRT16-related conditions. Invitae Evidence Modeling of protein sequence and biophysical properties (such as structural, functional, and spatial information, amino acid conservation, physicochemical variation, residue mobility, and thermodynamic stability) indicates that this missense variant is not expected to disrupt KRT16 protein function with a negative predictive value of 95%. In summary, the available evidence is currently insufficient to determine the role of this variant in disease. Therefore, it has been classified as a Variant of Uncertain Significance.